The following is an entry in ClinVar:

NM_000478.6(ALPL):c.1223A>G (p.Lys408Arg)

Gene: ALPL (alkaline phosphatase, biomineralization associated; plus strand). Cytogenetic location: 1p36.12.
Variant type: single nucleotide variant.
Coding change: c.1223A>G on transcript NM_000478.6 (MANE Select); coding-DNA position 1223, A replaced by G.
Protein change: p.Lys408Arg; replaces lysine 408 with arginine.
Molecular consequence: missense variant.
Genome position (GRCh38, 1-based): chr1:21,576,555, A>G. VCF-style: chr1-21576555-A-G. GRCh37 (hg19) VCF-style: chr1-21903048-A-G.
Other names: c.1058A>G, p.Lys353Arg (NM_001127501.4); c.992A>G, p.Lys331Arg (NM_001177520.3); c.1223A>G, p.Lys408Arg (NM_001369803.2, NM_001369804.2, NM_001369805.2); short protein forms K408R, K331R, K353R.
Identifiers: ClinVar variation 3633518 (VCV003633518.2).

ClinVar aggregate classification (germline): Pathogenic (1 of 4 stars; one submission).

Submission:

Labcorp Genetics (formerly Invitae), Labcorp
Classification: Pathogenic. Last evaluated: 2026-01-24. Review status: criteria provided, single submitter. Criteria: Invitae Variant Classification Sherloc (09022015). Collection method: clinical testing. Allele origin: germline.
Comment: This sequence change replaces lysine, which is basic and polar, with arginine, which is basic and polar, at codon 408 of the ALPL protein (p.Lys408Arg). This variant is not present in population databases (gnomAD no frequency). This missense change has been observed in individual(s) with autosomal dominant hypophosphatasia (internal data). It has also been observed to segregate with disease in related individuals. ClinVar contains an entry for this variant (Variation ID: 3633518). Invitae Evidence Modeling of protein sequence and biophysical properties (such as structural, functional, and spatial information, amino acid conservation, physicochemical variation, residue mobility, and thermodynamic stability) indicates that this missense variant is expected to disrupt ALPL protein function with a positive predictive value of 95%. This variant disrupts the p.Lys408 amino acid residue in ALPL. Other variant(s) that disrupt this residue have been observed in individuals with ALPL-related conditions (internal data), which suggests that this may be a clinically significant amino acid residue. For these reasons, this variant has been classified as Pathogenic.